The following is an entry in ClinVar:

NM_182641.4(BPTF):c.8312T>C (p.Val2771Ala)

Gene: BPTF (bromodomain PHD finger transcription factor; plus strand). Cytogenetic location: 17q24.2.
Variant type: single nucleotide variant.
Coding change: c.8312T>C on transcript NM_182641.4 (MANE Select); coding-DNA position 8312, T replaced by C.
Protein change: p.Val2771Ala; replaces valine 2771 with alanine.
Molecular consequence: missense variant.
Genome position (GRCh38, 1-based): chr17:67,964,262, T>C. VCF-style: chr17-67964262-T-C. GRCh37 (hg19) VCF-style: chr17-65960378-T-C.
Other names: c.8261T>C, p.Val2754Ala (NM_004459.7); short protein forms V2754A, V2771A.
Identifiers: ClinVar variation 3369337 (VCV003369337.1).

ClinVar aggregate classification (germline): Uncertain significance (1 of 4 stars; one submission).

Submission:

GeneDx
Classification: Uncertain significance. Last evaluated: 2024-02-22. Review status: criteria provided, single submitter. Criteria: GeneDx Variant Classification Process June 2021. Collection method: clinical testing. Allele origin: germline. Affected: yes.
Comment: Not observed at significant frequency in large population cohorts (gnomAD); In silico analysis supports that this missense variant has a deleterious effect on protein structure/function; Has not been previously published as pathogenic or benign to our knowledge